The following is an entry in ClinVar:

ClinVar aggregate classification (germline): Uncertain significance (1 of 4 stars; one submission).

Conditions:
Hereditary sensory neuropathy-deafness-dementia syndrome. Also called: HSN IE; NEUROPATHY, HEREDITARY SENSORY, WITH HEARING LOSS AND DEMENTIA; Hereditary sensory neuropathy type IE; Hereditary Sensory and Autonomic Neuropathy Type 1E (HSAN1E). Identifiers: Orphanet 456318, MedGen C3279885, MONDO:0013584, OMIM 614116.

Allele frequency attached by ClinVar (database versions not stated): ExAC 0.00001; gnomAD 0.00001; gnomAD exomes 0.00001; TOPMed 0.00001; 1000 Genomes Project 30x 0.00016; 1000 Genomes Project 0.00020.

Submission:

Labcorp Genetics (formerly Invitae), Labcorp
Classification: Uncertain significance for Hereditary sensory neuropathy-deafness-dementia syndrome. Last evaluated: 2019-07-17. Review status: criteria provided, single submitter. Criteria: Invitae Variant Classification Sherloc (09022015). Collection method: clinical testing. Allele origin: germline.
Comment: This variant has not been reported in the literature in individuals with DNMT1-related conditions. This variant is present in population databases (rs142673915, ExAC 0.009%). This sequence change replaces asparagine with aspartic acid at codon 399 of the DNMT1 protein (p.Asn399Asp). The asparagine residue is weakly conserved and there is a small physicochemical difference between asparagine and aspartic acid. In summary, the available evidence is currently insufficient to determine the role of this variant in disease. Therefore, it has been classified as a Variant of Uncertain Significance. Algorithms developed to predict the effect of missense changes on protein structure and function output the following: SIFT: "Tolerated"; PolyPhen-2: "Benign"; Align-GVGD: "Class C0". The aspartic acid amino acid residue is found in multiple mammalian species, suggesting that this missense change does not adversely affect protein function. These predictions have not been confirmed by published functional studies and their clinical significance is uncertain.

NM_001130823.3(DNMT1):c.1195A>G (p.Asn399Asp)

Gene: DNMT1 (DNA methyltransferase 1; minus strand). Cytogenetic location: 19p13.2.
Variant type: single nucleotide variant.
Coding change: c.1195A>G on transcript NM_001130823.3 (MANE Select); coding-DNA position 1195, A replaced by G.
Protein change: p.Asn399Asp; replaces asparagine 399 with aspartic acid.
Molecular consequence: missense variant.
Genome position (GRCh38, 1-based): chr19:10,159,743, T>C on the plus strand (A>G on the coding strand, the complement: DNMT1 is on the minus strand). VCF-style: chr19-10159743-T-C. GRCh37 (hg19) VCF-style: chr19-10270419-T-C.
Other names: c.1147A>G, p.Asn383Asp (NM_001318730.2, NM_001379.4); c.832A>G, p.Asn278Asp (NM_001318731.2); short protein forms N278D, N383D, N399D.
Identifiers: ClinVar variation 933679 (VCV000933679.10), dbSNP rs142673915, ClinGen allele CA9188355.